The following is an entry in ClinVar:

ClinVar aggregate classification (germline): Uncertain significance (1 of 4 stars; one submission).

Conditions:
Congenital myasthenic syndrome 8. Also called: MYASTHENIC SYNDROME, CONGENITAL, DUE TO AGRIN DEFICIENCY; Myasthenic syndrome, congenital, 8, with pre- and postsynaptic defects. Identifiers: Orphanet 590, MedGen C3808739, MONDO:0014052, OMIM 615120.

Submission:

Labcorp Genetics (formerly Invitae), Labcorp
Classification: Uncertain significance for Congenital myasthenic syndrome 8. Last evaluated: 2022-06-10. Review status: criteria provided, single submitter. Criteria: Invitae Variant Classification Sherloc (09022015). Collection method: clinical testing. Allele origin: germline.
Comment: In summary, the available evidence is currently insufficient to determine the role of this variant in disease. Therefore, it has been classified as a Variant of Uncertain Significance. Algorithms developed to predict the effect of missense changes on protein structure and function output the following: SIFT: "Tolerated"; PolyPhen-2: "Probably Damaging"; Align-GVGD: "Class C0". The glutamic acid amino acid residue is found in multiple mammalian species, which suggests that this missense change does not adversely affect protein function. This variant has not been reported in the literature in individuals affected with AGRN-related conditions. This variant is not present in population databases (gnomAD no frequency). This sequence change replaces alanine, which is neutral and non-polar, with glutamic acid, which is acidic and polar, at codon 354 of the AGRN protein (p.Ala354Glu).

NM_198576.4(AGRN):c.1061C>A (p.Ala354Glu)

Gene: AGRN (agrin; plus strand). Cytogenetic location: 1p36.33.
Variant type: single nucleotide variant.
Coding change: c.1061C>A on transcript NM_198576.4 (MANE Select); coding-DNA position 1061, C replaced by A.
Protein change: p.Ala354Glu; replaces alanine 354 with glutamic acid.
Molecular consequence: missense variant.
Genome position (GRCh38, 1-based): chr1:1,041,586, C>A. VCF-style: chr1-1041586-C-A. GRCh37 (hg19) VCF-style: chr1-976966-C-A.
Other names: c.1061C>A, p.Ala354Glu (NM_001305275.2); c.746C>A, p.Ala249Glu (NM_001364727.2); short protein forms A249E, A354E.
Identifiers: ClinVar variation 2076877 (VCV002076877.4), dbSNP rs759676959, ClinGen allele CA337826831.
Genomic context (GRCh38, chr1:1,041,586, plus strand): 5'-ACCCGCGCACGCGGCGCCCTGAGATGCTCCTACGGCCCGAGAGCTGCCCTGCCCGGCAGG[C>A]GCCAGTGTGTGGGGACGACGGAGTCACCTACGAAAACGACTGTGTCATGGGCCGATCGGG-3'
Protein context (NP_940978.2, residues 344-364): LRPESCPARQ[Ala354Glu]PVCGDDGVTY